The following is an entry in ClinVar:

NM_032816.5(CEP89):c.2125C>A (p.Gln709Lys)

Gene: CEP89 (centrosomal protein 89; minus strand). Cytogenetic location: 19q13.11.
Variant type: single nucleotide variant.
Coding change: c.2125C>A on transcript NM_032816.5 (MANE Select); coding-DNA position 2125, C replaced by A.
Protein change: p.Gln709Lys; replaces glutamine 709 with lysine.
Molecular consequence: missense variant.
Genome position (GRCh38, 1-based): chr19:32,881,854, G>T on the plus strand (C>A on the coding strand, the complement: CEP89 is on the minus strand). VCF-style: chr19-32881854-G-T. GRCh37 (hg19) VCF-style: chr19-33372760-G-T.
Other names: short protein forms Q709K.
Identifiers: ClinVar variation 2988250 (VCV002988250.3), dbSNP rs771781611, ClinGen allele CA405208204.
Genomic context (GRCh38, chr19:32,881,854, plus strand): 5'-TCAGACATTCAGACATCTCTGCGGGCCATGGCGCAGGGCGCATGCCCCACCTGTTCTGCT[G>T]CAGCGCCTGGTCCAGCACCTCCTGCTTGTCCTTCAGCACCTGGTGCAGGTGCCGCATCTC-3'
Protein context (NP_116205.3, residues 699-719): DKQEVLDQAL[Gln709Lys]QNREMEGELE

ClinVar aggregate classification (germline): Uncertain significance (1 of 4 stars; one submission).

gnomAD v4.1: 8 of 1,601,984 alleles (0.0005%); highest among the groups gnomAD compares: African/African-American, 0.004%; no homozygotes.

Submission:

Labcorp Genetics (formerly Invitae), Labcorp
Classification: Uncertain significance. Last evaluated: 2023-07-25. Review status: criteria provided, single submitter. Criteria: Invitae Variant Classification Sherloc (09022015). Collection method: clinical testing. Allele origin: germline.
Comment: This sequence change replaces glutamine, which is neutral and polar, with lysine, which is basic and polar, at codon 709 of the CEP89 protein (p.Gln709Lys). The frequency data for this variant in the population databases is considered unreliable, as metrics indicate poor data quality at this position in the gnomAD database. This variant has not been reported in the literature in individuals affected with CEP89-related conditions. An algorithm developed to predict the effect of missense changes on protein structure and function (PolyPhen-2) suggests that this variant is likely to be disruptive. In summary, the available evidence is currently insufficient to determine the role of this variant in disease. Therefore, it has been classified as a Variant of Uncertain Significance.